The following is an entry in ClinVar:

NM_005228.5(EGFR):c.293G>A (p.Arg98Gln)

Gene: EGFR (epidermal growth factor receptor; plus strand). Cytogenetic location: 7p11.2.
Variant type: single nucleotide variant.
Coding change: c.293G>A on transcript NM_005228.5 (MANE Select); coding-DNA position 293, G replaced by A.
Protein change: p.Arg98Gln; replaces arginine 98 with glutamine.
Molecular consequence: missense variant. On other transcripts: intron variant (1).
Genome position (GRCh38, 1-based): chr7:55,143,357, G>A. VCF-style: chr7-55143357-G-A. GRCh37 (hg19) VCF-style: chr7-55211050-G-A.
Other names: c.293G>A, p.Arg98Gln (NM_001346897.2, NM_001346898.2, NM_001346899.2 and 3 more transcripts); c.134G>A, p.Arg45Gln (NM_001346900.2); c.89-12473G>A (NM_001346941.2); short protein forms R98Q, R45Q.
Identifiers: ClinVar variation 859594 (VCV000859594.11), dbSNP rs17289589, ClinGen allele CA4265175.

ClinVar aggregate classification (germline): Conflicting classifications of pathogenicity. Review status: criteria provided, conflicting classifications (1 of 4 stars). 4 submissions from 4 submitters: Uncertain significance (3); Benign (1). Last evaluated 2026-01-26.

Conditions:
Hereditary cancer-predisposing syndrome. Also called: Tumor predisposition; Hereditary neoplastic syndrome; Neoplastic Syndromes, Hereditary; Hereditary Cancer Syndrome. Identifiers: Orphanet 140162, MedGen C0027672, MeSH D009386, MONDO:0015356.
EGFR-related lung cancer (EGFR). Identifiers: MedGen CN130014.

Allele frequency attached by ClinVar (database versions not stated): gnomAD 0.00009 and 0.00011; TOPMed 0.00017; ESP Exome Variant Server 0.00023.
gnomAD v4.1: 143 of 1,614,196 alleles (0.0089%); highest among the groups gnomAD compares: Admixed American, 0.028%; no homozygotes.

Submissions (4):

Labcorp Genetics (formerly Invitae), Labcorp
Classification: Uncertain significance for EGFR-related lung cancer. Last evaluated: 2026-01-26. Review status: criteria provided, single submitter. Criteria: Invitae Variant Classification Sherloc (09022015). Collection method: clinical testing. Allele origin: germline.
Comment: This sequence change replaces arginine, which is basic and polar, with glutamine, which is neutral and polar, at codon 98 of the EGFR protein (p.Arg98Gln). This variant is present in population databases (rs17289589, gnomAD 0.05%). This variant has not been reported in the literature in individuals affected with EGFR-related conditions. ClinVar contains an entry for this variant (Variation ID: 859594). Invitae Evidence Modeling of protein sequence and biophysical properties (such as structural, functional, and spatial information, amino acid conservation, physicochemical variation, residue mobility, and thermodynamic stability) indicates that this missense variant is not expected to disrupt EGFR protein function with a negative predictive value of 80%. In summary, the available evidence is currently insufficient to determine the role of this variant in disease. Therefore, it has been classified as a Variant of Uncertain Significance.

Ambry Genetics
Classification: Benign for Hereditary cancer-predisposing syndrome. Last evaluated: 2024-10-28. Review status: criteria provided, single submitter. Criteria: Ambry Variant Classification Scheme 2023. Collection method: clinical testing. Allele origin: germline.

GeneDx
Classification: Uncertain significance. Last evaluated: 2023-12-28. Review status: criteria provided, single submitter. Criteria: GeneDx Variant Classification Process June 2021. Collection method: clinical testing. Allele origin: germline. Affected: yes.
Comment: Has not been previously published as a pathogenic or benign germline variant to our knowledge; In silico analysis supports that this missense variant does not alter protein structure/function; This variant is associated with the following publications: (PMID: Cerro2016[article], 23810757)

Laboratorio de Genetica e Diagnostico Molecular, Hospital Israelita Albert Einstein
Classification: Uncertain significance. Last evaluated: 2020-11-06. Review status: criteria provided, single submitter. Criteria: ACMG Guidelines, 2015. Collection method: clinical testing. Allele origin: germline. Affected: yes.
Comment: ACMG classification criteria: BP4